The following is an entry in ClinVar:

NM_000478.6(ALPL):c.1323C>A (p.Tyr441Ter)

Gene: ALPL (alkaline phosphatase, biomineralization associated; plus strand). Cytogenetic location: 1p36.12.
Variant type: single nucleotide variant.
Coding change: c.1323C>A on transcript NM_000478.6 (MANE Select); coding-DNA position 1323, C replaced by A.
Protein change: p.Tyr441Ter; replaces tyrosine 441 with a stop codon.
Molecular consequence: nonsense.
Genome position (GRCh38, 1-based): chr1:21,577,396, C>A. VCF-style: chr1-21577396-C-A. GRCh37 (hg19) VCF-style: chr1-21903889-C-A.
Other names: c.1158C>A, p.Tyr386Ter (NM_001127501.4); c.1092C>A, p.Tyr364Ter (NM_001177520.3); c.1323C>A, p.Tyr441Ter (NM_001369803.2, NM_001369804.2, NM_001369805.2); short protein forms Y364*, Y386*, Y441*.
Identifiers: ClinVar variation 4086894 (VCV004086894.1).

ClinVar aggregate classification (germline): Pathogenic (1 of 4 stars; one submission).

Conditions:
Hypophosphatasia. Also called: Phosphoethanol-aminuria. Identifiers: Orphanet 436, MedGen C0020630, MeSH D007014, MONDO:0018570.

Submission:

Genomenon, Inc
Classification: Pathogenic for Hypophosphatasia. Last evaluated: 2025-08-29. Review status: criteria provided, single submitter. Criteria: Genomenon Sequence Variant Interpretation Standards. Collection method: curation. Allele origin: germline. Affected: yes.
Comment: ALPL p.Tyr441Ter (c.1323C>A) is a nonsense variant that introduces a premature stop codon at amino acid position 441, creating a truncated protein. This variant has been observed in at least one proband affected with hypophosphatasia (PMID:23454488). At least one functional study has demonstrated a substantial alteration in protein function relative to the wild-type (PMID:23454488). It is absent or not present at a significant frequency in gnomAD. In conclusion, we classify ALPL p.Tyr441Ter (c.1323C>A) as a pathogenic variant.

Literature cited by the submitters: PubMed 23454488.